The following is an entry in ClinVar:

ClinVar aggregate classification (germline): Likely pathogenic (1 of 4 stars; one submission).

Conditions:
Seizures, early-onset, with neurodegeneration and brain calcifications. Identifiers: MedGen C5394359, MONDO:0030033, OMIM 618875.

Submission:

Laboratorio de Genetica e Diagnostico Molecular, Hospital Israelita Albert Einstein
Classification: Likely pathogenic for Seizures, early-onset, with neurodegeneration and brain calcifications. Last evaluated: 2022-08-12. Review status: criteria provided, single submitter. Criteria: ACMG Guidelines, 2015. Collection method: clinical testing. Allele origin: germline. Affected: yes. Observed: 1 variant allele.
Comment: ACMG classification criteria: PVS1 very strong, PM2 moderated

NM_198565.3(NRROS):c.719G>A (p.Trp240Ter)

Gene: NRROS (negative regulator of reactive oxygen species; plus strand). Cytogenetic location: 3q29.
Variant type: single nucleotide variant.
Coding change: c.719G>A on transcript NM_198565.3 (MANE Select); coding-DNA position 719, G replaced by A.
Protein change: p.Trp240Ter; replaces tryptophan 240 with a stop codon.
Molecular consequence: nonsense.
Genome position (GRCh38, 1-based): chr3:196,660,362, G>A. VCF-style: chr3-196660362-G-A. GRCh37 (hg19) VCF-style: chr3-196387233-G-A.
Other names: short protein forms W240*.
Identifiers: ClinVar variation 2431562 (VCV002431562.1), dbSNP rs2474180806, ClinGen allele CA355629849.